The following is an entry in ClinVar:

NM_018127.7(ELAC2):c.984-237T>C

Gene: ELAC2 (elaC ribonuclease Z 2; minus strand). Cytogenetic location: 17p12.
Variant type: single nucleotide variant.
Coding change: c.984-237T>C on transcript NM_018127.7 (MANE Select); 237 bases into the intron before coding-DNA position 984, T replaced by C.
Molecular consequence: intron variant.
Genome position (GRCh38, 1-based): chr17:13,003,811, A>G on the plus strand (T>C on the coding strand, the complement: ELAC2 is on the minus strand). VCF-style: chr17-13003811-A-G. GRCh37 (hg19) VCF-style: chr17-12907128-A-G.
Other names: c.864-237T>C (NM_001165962.2); c.984-237T>C (NM_173717.2).
Identifiers: ClinVar variation 679046 (VCV000679046.2), dbSNP rs58700278, ClinGen allele CA288084498.

ClinVar aggregate classification (germline): Benign. Review status: criteria provided, multiple submitters, no conflicts (2 of 4 stars). 2 submissions from 2 submitters: Benign (2). Last evaluated 2018-06-16.

Allele frequency attached by ClinVar (database versions not stated): 1000 Genomes Project 0.01677; 1000 Genomes Project 30x 0.01765.
gnomAD v4.1: 3,484 of 553,164 alleles (0.63%); highest among the groups gnomAD compares: African/African-American, 5.8%; 85 homozygotes.

Submissions (2):

GeneDx
Classification: Benign. Last evaluated: 2018-06-16. Review status: criteria provided, single submitter. Criteria: GeneDx Variant Classification (06012015). Collection method: clinical testing. Allele origin: germline. Affected: yes.
Comment: This variant is considered likely benign or benign based on one or more of the following criteria: it is a conservative change, it occurs at a poorly conserved position in the protein, it is predicted to be benign by multiple in silico algorithms, and/or has population frequency not consistent with disease.

Breakthrough Genomics
Classification: Benign. Review status: criteria provided, single submitter. Criteria: ACMG Guidelines, 2015. Collection method: not provided. Allele origin: germline. Inheritance: Autosomal recessive inheritance. Affected: yes.